The following is an entry in ClinVar:

NM_016203.4(PRKAG2):c.1473del (p.Asp491fs)

Gene: PRKAG2 (protein kinase AMP-activated non-catalytic subunit gamma 2; minus strand). Cytogenetic location: 7q36.1.
Variant type: Deletion.
Coding change: c.1473del on transcript NM_016203.4 (MANE Select); coding-DNA position 1473, one base deleted (T; older notation c.1473delT).
Protein change: p.Asp491fs; shifts the reading frame from aspartic acid 491.
Molecular consequence: frameshift variant.
Genome position (GRCh38, 1-based): chr7:151,564,189, A deleted on the plus strand (T on the coding strand, the reverse complement: PRKAG2 is on the minus strand). VCF-style (leftmost placement, unchanged base first): chr7-151564188-TA-T. GRCh37 (hg19) VCF-style: chr7-151261274-TA-T.
Other names: c.1473del, p.Asp491fs (NM_001407021.1); c.1470del, p.Asp490fs (NM_001407022.1, NM_001407023.1); c.1341del, p.Asp447fs (NM_001407024.1, NM_001040633.2); c.1338del, p.Asp446fs (NM_001407026.1, NM_001407027.1); c.1101del, p.Asp367fs (NM_001407028.1, NM_001363698.2); c.1098del, p.Asp366fs (NM_001407029.1, NM_001304527.2); c.1185del, p.Asp395fs (NM_001407030.1); c.1182del, p.Asp394fs (NM_001407031.1); and 6 more; short protein forms D249fs, D366fs, D394fs, D395fs, D250fs, D383fs, D446fs, D270fs.
Identifiers: ClinVar variation 4735041 (VCV004735041.1).
Genomic context (GRCh38, chr7:151,564,188, plus strand): 5'-TGCACTTCACAACACCTTCAAAATACTGTGAACGGTGCTGAAGGGCCTGGGTCACCGTGA[TA>T]TCTAGGTTATTGTATGTTTTCTCAGCAGCAAGATTCTGTAATGAAGCAAGAGAATAAATT-3'

ClinVar aggregate classification (germline): Uncertain significance (1 of 4 stars; one submission).

Conditions:
Lethal congenital glycogen storage disease of heart. Also called: GLYCOGEN STORAGE DISEASE OF HEART; PHOSPHORYLASE KINASE DEFICIENCY OF HEART. Identifiers: Orphanet 439854, MedGen C1849813, MONDO:0009867, OMIM 261740.

Submission:

Labcorp Genetics (formerly Invitae), Labcorp
Classification: Uncertain significance for Lethal congenital glycogen storage disease of heart. Last evaluated: 2026-01-10. Review status: criteria provided, single submitter. Criteria: Invitae Variant Classification Sherloc (09022015). Collection method: clinical testing. Allele origin: germline.
Comment: This sequence change creates a premature translational stop signal (p.Asp491Glufs*4) in the PRKAG2 gene. It is expected to result in an absent or disrupted protein product. However, the current clinical and genetic evidence is not sufficient to establish whether loss-of-function variants in PRKAG2 cause disease. This variant is not present in population databases (gnomAD no frequency). This variant has not been reported in the literature in individuals affected with PRKAG2-related conditions. In summary, the available evidence is currently insufficient to determine the role of this variant in disease. Therefore, it has been classified as a Variant of Uncertain Significance.